The following is an entry in ClinVar:

ClinVar aggregate classification (germline): Likely benign. Review status: criteria provided, single submitter (1 of 4 stars). 2 submissions from 2 submitters: Likely benign (1). 1 of the submissions does not count toward it. Last evaluated 2025-12-08.

Conditions:
NRIP1-related disorder. Also called: NRIP1-related condition.

Allele frequency attached by ClinVar (database versions not stated): TOPMed 0.00083; ExAC 0.00023; 1000 Genomes Project 30x 0.00078; ESP Exome Variant Server 0.00100; 1000 Genomes Project 0.00060; gnomAD 0.00058.
gnomAD v4.1: 226 of 1,613,894 alleles (0.014%); highest among the groups gnomAD compares: African/African-American, 0.18%; 1 homozygote.

Submissions (2):

Labcorp Genetics (formerly Invitae), Labcorp
Classification: Likely benign. Last evaluated: 2025-12-08. Review status: criteria provided, single submitter. Criteria: Invitae Variant Classification Sherloc (09022015). Collection method: clinical testing. Allele origin: germline.

PreventionGenetics, part of Exact Sciences
Classification: Likely benign for NRIP1-related condition. Last evaluated: 2024-07-17. Review status: no assertion criteria provided. Collection method: clinical testing. Allele origin: germline. Not counted in ClinVar's aggregate classification.
Comment: This variant is classified as likely benign based on ACMG/AMP sequence variant interpretation guidelines (Richards et al. 2015 PMID: 25741868, with internal and published modifications).

NM_003489.4(NRIP1):c.2374G>A (p.Ala792Thr)

Gene: NRIP1 (nuclear receptor interacting protein 1; minus strand). Cytogenetic location: 21q11.2.
Variant type: single nucleotide variant.
Coding change: c.2374G>A on transcript NM_003489.4 (MANE Select); coding-DNA position 2374, G replaced by A.
Protein change: p.Ala792Thr; replaces alanine 792 with threonine.
Molecular consequence: missense variant.
Genome position (GRCh38, 1-based): chr21:14,965,819, C>T on the plus strand (G>A on the coding strand, the complement: NRIP1 is on the minus strand). VCF-style: chr21-14965819-C-T. GRCh37 (hg19) VCF-style: chr21-16338140-C-T.
Other names: c.2374G>A (NM_003489.3); short protein forms A792T.
Identifiers: ClinVar variation 2912927 (VCV002912927.4), dbSNP rs148009661, ClinGen allele CA9981157.